The following is an entry in ClinVar:

ClinVar aggregate classification (germline): Pathogenic/Likely pathogenic. Review status: criteria provided, multiple submitters, no conflicts (2 of 4 stars). 4 submissions from 4 submitters: Pathogenic (2); Likely pathogenic (1). 1 of the submissions does not count toward it. Last evaluated 2026-06-02.

Conditions:
Retinal dystrophy. Also called: Inherited retinal dystrophy. Identifiers: Orphanet 71862, MedGen C0854723, MeSH D058499, MONDO:0019118, HP:0000556.
Stargardt disease (FFM). Also called: Stargardt's disease; Fundus flavimaculatus. Identifiers: Orphanet 827, MedGen C0271093, MONDO:0019353.

Allele frequency attached by ClinVar (database versions not stated): gnomAD exomes below 0.00001; ExAC 0.00001.

Submissions (4):

Women's Health and Genetics/Laboratory Corporation of America, LabCorp
Classification: Pathogenic for Stargardt disease. Last evaluated: 2026-06-02. Review status: criteria provided, single submitter. Criteria: LabCorp Variant Classification Summary - May 2015. Collection method: clinical testing. Allele origin: germline.
Comment: Variant summary: ABCA4 c.2804T>C (p.Val935Ala) results in a non-conservative amino acid change in the encoded protein sequence. Algorithms developed to predict the effect of missense changes on protein structure and function all suggest that this variant is likely to be disruptive. The variant allele was found at a frequency of 4e-06 in 251420 control chromosomes. c.2804T>C has been observed in multiple compound heterozygous individuals affected with Stargardt Disease (e.g. Briggs_2001, Fujinami_2019, Hitti_2024, internal data). These data indicate that the variant is likely to be associated with disease. To our knowledge, no experimental evidence demonstrating an impact on protein function has been reported. The following publications have been ascertained in the context of this evaluation (PMID: 17325179, 11527935, 19074458, 35120629, 29925512, 38540785). ClinVar contains an entry for this variant (Variation ID: 99159). Based on the evidence outlined above, the variant was classified as pathogenic.

Labcorp Genetics (formerly Invitae), Labcorp
Classification: Pathogenic. Last evaluated: 2022-11-01. Review status: criteria provided, single submitter. Criteria: Invitae Variant Classification Sherloc (09022015). Collection method: clinical testing. Allele origin: germline.
Comment: For these reasons, this variant has been classified as Pathogenic. Advanced modeling of protein sequence and biophysical properties (such as structural, functional, and spatial information, amino acid conservation, physicochemical variation, residue mobility, and thermodynamic stability) performed at Invitae indicates that this missense variant is expected to disrupt ABCA4 protein function. ClinVar contains an entry for this variant (Variation ID: 99159). This missense change has been observed in individual(s) with clinical features of Stargardt disease (PMID: 11527935, 19074458, 29925512; Invitae). In at least one individual the data is consistent with being in trans (on the opposite chromosome) from a pathogenic variant. This variant is present in population databases (rs61749444, gnomAD 0.0009%). This sequence change replaces valine, which is neutral and non-polar, with alanine, which is neutral and non-polar, at codon 935 of the ABCA4 protein (p.Val935Ala).

Institute of Human Genetics, Univ. Regensburg, Univ. Regensburg
Classification: Likely pathogenic for Retinal dystrophy. Last evaluated: 2015-01-01. Review status: criteria provided, single submitter. Criteria: ACMG Guidelines, 2015. Collection method: clinical testing. Allele origin: germline. Affected: yes.

Retina International
No classification provided. Review status: no classification provided. Collection method: not provided. Allele origin: not provided. Not counted in ClinVar's aggregate classification.

Literature cited by the submitters: PubMed 29925512 (cited by 3 submitters); PubMed 11527935 (cited by 3 submitters); PubMed 35120629 (cited by Women's Health and Genetics/Laboratory Corporation of America, LabCorp); PubMed 38540785 (cited by Women's Health and Genetics/Laboratory Corporation of America, LabCorp); PubMed 19074458 (cited by Women's Health and Genetics/Laboratory Corporation of America, LabCorp and Labcorp Genetics (formerly Invitae), Labcorp); PubMed 17325179 (cited by Women's Health and Genetics/Laboratory Corporation of America, LabCorp); PubMed 31964843 (cited by Institute of Human Genetics, Univ. Regensburg, Univ. Regensburg).

NM_000350.3(ABCA4):c.2804T>C (p.Val935Ala)

Gene: ABCA4 (ATP binding cassette subfamily A member 4; minus strand). Cytogenetic location: 1p22.1.
Variant type: single nucleotide variant.
Coding change: c.2804T>C on transcript NM_000350.3 (MANE Select); coding-DNA position 2804, T replaced by C.
Protein change: p.Val935Ala; replaces valine 935 with alanine.
Molecular consequence: missense variant.
Genome position (GRCh38, 1-based): chr1:94,047,033, A>G on the plus strand (T>C on the coding strand, the complement: ABCA4 is on the minus strand). VCF-style: chr1-94047033-A-G. GRCh37 (hg19) VCF-style: chr1-94512589-A-G.
Other names: c.2582T>C, p.Val861Ala (NM_001425324.1); short protein forms V935A, V861A.
Identifiers: ClinVar variation 99159 (VCV000099159.12), dbSNP rs61749444, ClinGen allele CA227032.